The following is an entry in ClinVar:

ClinVar aggregate classification (germline): Likely benign (0 of 4 stars; one submission).

Conditions:
SF3B1-related disorder. Also called: SF3B1-related condition.

Allele frequency attached by ClinVar (database versions not stated): 1000 Genomes Project 30x 0.00016; 1000 Genomes Project 0.00020; TOPMed 0.00044; gnomAD 0.00045; ExAC 0.00053; gnomAD exomes 0.00060; ESP Exome Variant Server 0.00085.
gnomAD v4.1: 936 of 1,614,102 alleles (0.058%); highest among the groups gnomAD compares: Non-Finnish European, 0.073%; no homozygotes.

Submission:

PreventionGenetics, part of Exact Sciences
Classification: Likely benign for SF3B1-related condition. Last evaluated: 2019-10-28. Review status: no assertion criteria provided. Collection method: clinical testing. Allele origin: germline.
Comment: This variant is classified as likely benign based on ACMG/AMP sequence variant interpretation guidelines (Richards et al. 2015 PMID: 25741868, with internal and published modifications).

NM_012433.4(SF3B1):c.831G>A (p.Ala277=)

Gene: SF3B1 (splicing factor 3b subunit 1; minus strand). Cytogenetic location: 2q33.1.
Variant type: single nucleotide variant.
Coding change: c.831G>A on transcript NM_012433.4 (MANE Select); coding-DNA position 831, G replaced by A.
Protein change: p.Ala277=; no amino-acid change (alanine 277 retained).
Molecular consequence: synonymous variant.
Genome position (GRCh38, 1-based): chr2:197,409,843, C>T on the plus strand (G>A on the coding strand, the complement: SF3B1 is on the minus strand). VCF-style: chr2-197409843-C-T. GRCh37 (hg19) VCF-style: chr2-198274567-C-T.
Identifiers: ClinVar variation 3035776 (VCV003035776.2), dbSNP rs13012433, ClinGen allele CA2042841.